The following is an entry in ClinVar:

NM_001282531.3(ADNP):c.1754A>G (p.Asn585Ser)

Gene: ADNP (activity dependent neuroprotector homeobox; minus strand). Cytogenetic location: 20q13.13.
Variant type: single nucleotide variant.
Coding change: c.1754A>G on transcript NM_001282531.3 (MANE Select); coding-DNA position 1754, A replaced by G.
Protein change: p.Asn585Ser; replaces asparagine 585 with serine.
Molecular consequence: missense variant.
Genome position (GRCh38, 1-based): chr20:50,892,960, T>C on the plus strand (A>G on the coding strand, the complement: ADNP is on the minus strand). VCF-style: chr20-50892960-T-C. GRCh37 (hg19) VCF-style: chr20-49509497-T-C.
Other names: c.1754A>G, p.Asn585Ser (NM_001282532.2, NM_001347511.2, NM_015339.5 and 1 more transcripts); short protein forms N585S.
Identifiers: ClinVar variation 589686 (VCV000589686.12), dbSNP rs147336313, ClinGen allele CA9908689.

ClinVar aggregate classification (germline): Benign/Likely benign. Review status: criteria provided, multiple submitters, no conflicts (2 of 4 stars). 5 submissions from 5 submitters: Benign (1); Likely benign (4). Last evaluated 2025-12-30.

Conditions:
Inborn genetic diseases. Identifiers: MedGen C0950123, MeSH D030342.

Allele frequency attached by ClinVar (database versions not stated): TOPMed 0.00006; ExAC 0.00003; gnomAD 0.00003 and 0.00004; gnomAD exomes 0.00002 and 0.00014; ESP Exome Variant Server 0.00015.

Submissions (5):

Women's Health and Genetics/Laboratory Corporation of America, LabCorp
Classification: Likely benign. Last evaluated: 2025-12-30. Review status: criteria provided, single submitter. Criteria: LabCorp Variant Classification Summary - May 2015. Collection method: clinical testing. Allele origin: germline.
Comment: Variant summary: ADNP c.1754A>G (p.Asn585Ser) results in a conservative amino acid change in the encoded protein sequence. Algorithms developed to predict the effect of missense changes on protein structure and function are either unavailable or do not agree on the potential impact of this missense change. The variant allele was found at a frequency of 2.4e-05 in 251410 control chromosomes (gnomAD v2.1) and in the gnomAD v4.1 database was found in 208 unaffected controls, suggesting it is a benign polymorphism. To our knowledge, no occurrence of c.1754A>G in individuals affected with ADNP-related conditions and no experimental evidence demonstrating its impact on protein function have been reported. ClinVar contains an entry for this variant (Variation ID: 589686). Based on the evidence outlined above, the variant was classified as likely benign.

Labcorp Genetics (formerly Invitae), Labcorp
Classification: Benign. Last evaluated: 2025-04-07. Review status: criteria provided, single submitter. Criteria: Invitae Variant Classification Sherloc (09022015). Collection method: clinical testing. Allele origin: germline.

GeneDx
Classification: Likely benign. Last evaluated: 2018-12-17. Review status: criteria provided, single submitter. Criteria: GeneDx Variant Classification Process June 2021. Collection method: clinical testing. Allele origin: germline. Affected: yes.

Ambry Genetics
Classification: Likely benign for Inborn genetic diseases. Last evaluated: 2018-09-09. Review status: criteria provided, single submitter. Criteria: Ambry Variant Classification Scheme 2023. Collection method: clinical testing. Allele origin: germline.

Breakthrough Genomics
Classification: Likely benign. Review status: criteria provided, single submitter. Criteria: ACMG Guidelines, 2015. Collection method: not provided. Allele origin: germline. Inheritance: Autosomal dominant inheritance. Affected: yes.